The following is an entry in ClinVar:

NM_032119.4(ADGRV1):c.8713_8716dup (p.Ile2906fs)

Gene: ADGRV1 (adhesion G protein-coupled receptor V1; plus strand). Cytogenetic location: 5q14.3.
Variant type: Duplication.
Coding change: c.8713_8716dup on transcript NM_032119.4 (MANE Select); coding-DNA positions 8713 to 8716, 4 bases duplicated (AACA; older notation c.8713_8716dupAACA).
Protein change: p.Ile2906fs; shifts the reading frame from isoleucine 2906.
Molecular consequence: frameshift variant. On other transcripts: non-coding transcript variant (1).
Genome position (GRCh38, 1-based): chr5:90,706,377-90,706,380, AACA duplicated. VCF-style (leftmost placement, unchanged base first): chr5-90706376-C-CAACA. GRCh37 (hg19) VCF-style: chr5-90002193-C-CAACA.
Other names: ADGRV1, 4-BP INS, 8716AACA; short protein forms I2906fs.
Identifiers: ClinVar variation 6799 (VCV000006799.4), dbSNP rs796051863, ClinGen allele CA253957.

ClinVar aggregate classification (germline): Pathogenic. Review status: criteria provided, multiple submitters, no conflicts (2 of 4 stars). 3 submissions from 3 submitters: Pathogenic (2). 1 of the submissions does not count toward it. Last evaluated 2024-02-24.

Conditions:
ADGRV1-related disorder. Also called: ADGRV1-related condition; ADGRV1-related disorders.
Usher syndrome type 2C. Also called: USHER SYNDROME, TYPE IIC; Usher syndrome, type 2B. Identifiers: Orphanet 231178, Orphanet 886, MedGen C2931213, MONDO:0011558, OMIM 605472.

Submissions (3):

Labcorp Genetics (formerly Invitae), Labcorp
Classification: Pathogenic. Last evaluated: 2024-02-24. Review status: criteria provided, single submitter. Criteria: Invitae Variant Classification Sherloc (09022015). Collection method: clinical testing. Allele origin: germline.
Comment: This sequence change creates a premature translational stop signal (p.Ile2906Lysfs*6) in the ADGRV1 gene. It is expected to result in an absent or disrupted protein product. Loss-of-function variants in ADGRV1 are known to be pathogenic (PMID: 19357117, 22135276, 22147658, 26226137, 30718709, 31047384, 32467589). This variant is not present in population databases (gnomAD no frequency). This premature translational stop signal has been observed in individual(s) with Usher syndrome (PMID: 14740321, 32037395). ClinVar contains an entry for this variant (Variation ID: 6799). For these reasons, this variant has been classified as Pathogenic.

Blueprint Genetics
Classification: Pathogenic for ADGRV1-related disorders. Last evaluated: 2022-09-02. Review status: criteria provided, single submitter. Criteria: ACMG Guidelines, 2015. Collection method: clinical testing. Allele origin: germline. Affected: yes. Observed: 1 variant allele.

OMIM
Classification: Pathogenic for USHER SYNDROME, TYPE IIC. Last evaluated: 2004-02-01. Review status: no assertion criteria provided. Collection method: literature only. Allele origin: germline. Not counted in ClinVar's aggregate classification.

Literature cited by the submitters: PubMed 19357117 (cited by Labcorp Genetics (formerly Invitae), Labcorp); PubMed 22135276 (cited by Labcorp Genetics (formerly Invitae), Labcorp); PubMed 22147658 (cited by Labcorp Genetics (formerly Invitae), Labcorp); PubMed 26226137 (cited by Labcorp Genetics (formerly Invitae), Labcorp); PubMed 30718709 (cited by Labcorp Genetics (formerly Invitae), Labcorp); PubMed 31047384 (cited by Labcorp Genetics (formerly Invitae), Labcorp); PubMed 32467589 (cited by Labcorp Genetics (formerly Invitae), Labcorp); PubMed 14740321 (cited by Labcorp Genetics (formerly Invitae), Labcorp and OMIM); PubMed 32037395 (cited by Labcorp Genetics (formerly Invitae), Labcorp).